The following is an entry in ClinVar:

NM_001353345.2(SETD1B):c.1356C>T (p.Pro452=)

Gene: SETD1B (SET domain containing 1B, histone lysine methyltransferase; plus strand). Cytogenetic location: 12q24.31.
Variant type: single nucleotide variant.
Coding change: c.1356C>T on transcript NM_001353345.2 (MANE Select); coding-DNA position 1356, C replaced by T.
Protein change: p.Pro452=; no amino-acid change (proline 452 retained).
Molecular consequence: synonymous variant.
Genome position (GRCh38, 1-based): chr12:121,810,301, C>T. VCF-style: chr12-121810301-C-T. GRCh37 (hg19) VCF-style: chr12-122248207-C-T.
Identifiers: ClinVar variation 2643430 (VCV002643430.25), dbSNP rs183003739, ClinGen allele CA6838858.

ClinVar aggregate classification (germline): Likely benign. Review status: criteria provided, multiple submitters, no conflicts (2 of 4 stars). 2 submissions from 2 submitters: Likely benign (2). Last evaluated 2026-09-01.

Allele frequency attached by ClinVar (database versions not stated): TOPMed 0.00053; gnomAD 0.00057; 1000 Genomes Project 0.00100; 1000 Genomes Project 30x 0.00125; ExAC 0.00340.
gnomAD v4.1: 1,118 of 1,543,012 alleles (0.072%); highest among the groups gnomAD compares: South Asian, 0.43%; 3 homozygotes.

Submissions (2):

CeGaT Center for Human Genetics Tuebingen
Classification: Likely benign. Last evaluated: 2026-09-01. Review status: criteria provided, single submitter. Criteria: CeGaT Center For Human Genetics Tuebingen Variant Classification Criteria Version 2. Collection method: clinical testing. Allele origin: germline. Affected: yes. Observed: 4 variant alleles.
Comment: SETD1B: BP4, BP7

Blueprint Genetics
Classification: Likely benign. Last evaluated: 2024-11-26. Review status: criteria provided, single submitter. Criteria: ACMG Guidelines, 2015. Collection method: clinical testing. Allele origin: germline.